The following is an entry in ClinVar:

NM_025179.4(PLXNA2):c.5039G>A (p.Arg1680Gln)

Gene: PLXNA2 (plexin A2; minus strand). Cytogenetic location: 1q32.2.
Variant type: single nucleotide variant.
Coding change: c.5039G>A on transcript NM_025179.4 (MANE Select); coding-DNA position 5039, G replaced by A.
Protein change: p.Arg1680Gln; replaces arginine 1680 with glutamine.
Molecular consequence: missense variant.
Genome position (GRCh38, 1-based): chr1:208,033,335, C>T on the plus strand (G>A on the coding strand, the complement: PLXNA2 is on the minus strand). VCF-style: chr1-208033335-C-T. GRCh37 (hg19) VCF-style: chr1-208206680-C-T.
Other names: short protein forms R1680Q.
Identifiers: ClinVar variation 4978488 (VCV004978488.1).
Genomic context (GRCh38, chr1:208,033,335, plus strand): 5'-CTCCTTTAACAAGCACTCCCTGGTCTGGGCAGAGGGGGAGTTACCTTGGTGGCCAGTAGC[C>T]GGGTCAGGTAGATCTCGGACACCATCTTGCTGCCCCGGTCACCCTCCTTCTGGTCACCGT-3'
Protein context (NP_079455.3, residues 1670-1690): SKMVSEIYLT[Arg1680Gln]LLATKGTLQK

ClinVar aggregate classification (germline): Uncertain significance (1 of 4 stars; one submission).

Conditions:
PLXNA2-related disorder. Also called: PLXNA2-related condition.

gnomAD v4.1: 9 of 1,612,972 alleles (0.00056%); highest among the groups gnomAD compares: Non-Finnish European, 0.00076%; no homozygotes.

Submission:

PreventionGenetics, part of Exact Sciences
Classification: Uncertain significance for PLXNA2-related condition. Last evaluated: 2025-07-03. Review status: criteria provided, single submitter. Criteria: ACMG Guidelines, 2015. Collection method: clinical testing. Allele origin: germline.
Comment: The PLXNA2 c.5039G>A variant is predicted to result in the amino acid substitution p.Arg1680Gln. To our knowledge, this variant has not been reported in the literature or in a large population database (gnomAD), indicating this variant is rare. At this time, the clinical significance of this variant is uncertain due to the absence of conclusive functional and genetic evidence.